The following is an entry in ClinVar:

ClinVar aggregate classification (germline): Conflicting classifications of pathogenicity. Review status: criteria provided, conflicting classifications (1 of 4 stars). 2 submissions from 2 submitters: Uncertain significance (1); Likely benign (1). Last evaluated 2023-03-23.

Conditions:
Hereditary cancer-predisposing syndrome. Also called: Tumor predisposition; Neoplastic Syndromes, Hereditary; Hereditary Cancer Syndrome; Hereditary neoplastic syndrome. Identifiers: Orphanet 140162, MedGen C0027672, MeSH D009386, MONDO:0015356.
Hereditary breast ovarian cancer syndrome. Also called: Hereditary breast and ovarian cancer syndrome (HBOC); Hereditary breast and ovarian cancer syndrome; Hereditary breast and ovarian cancer; Breast and ovarian cancer; BRCA1- and BRCA2-Associated Hereditary Breast and Ovarian Cancer; Hereditary breast and/or ovarian cancer syndrome. Identifiers: Orphanet 145, MedGen C0677776, MeSH D061325, MONDO:0003582. Disease mechanism: loss of function.

Submissions (2):

University of Washington Department of Laboratory Medicine, University of Washington
Classification: Likely benign for Hereditary cancer-predisposing syndrome. Last evaluated: 2023-03-23. Review status: criteria provided, single submitter. Criteria: Dines et al. (Genet Med. 2020). Collection method: curation. Allele origin: germline.
Comment: Missense variant in a coldspot region where missense variants are very unlikely to be pathogenic (PMID:31911673).

BRCA1 coldspot (exon 11 using historical exon numbering). Reclassification based on statistical prior probability

Labcorp Genetics (formerly Invitae), Labcorp
Classification: Uncertain significance for Hereditary breast ovarian cancer syndrome. Last evaluated: 2022-10-10. Review status: criteria provided, single submitter. Criteria: Invitae Variant Classification Sherloc (09022015). Collection method: clinical testing. Allele origin: germline.
Comment: This sequence change replaces serine, which is neutral and polar, with tyrosine, which is neutral and polar, at codon 819 of the BRCA1 protein (p.Ser819Tyr). This variant is not present in population databases (gnomAD no frequency). This variant has not been reported in the literature in individuals affected with BRCA1-related conditions. Advanced modeling of protein sequence and biophysical properties (such as structural, functional, and spatial information, amino acid conservation, physicochemical variation, residue mobility, and thermodynamic stability) performed at Invitae indicates that this missense variant is not expected to disrupt BRCA1 protein function. In summary, the available evidence is currently insufficient to determine the role of this variant in disease. Therefore, it has been classified as a Variant of Uncertain Significance.

NM_007294.4(BRCA1):c.2456C>A (p.Ser819Tyr)

Gene: BRCA1 (BRCA1 DNA repair associated; minus strand). Cytogenetic location: 17q21.31.
Variant type: single nucleotide variant.
Coding change: c.2456C>A on transcript NM_007294.4 (MANE Select); coding-DNA position 2456, C replaced by A.
Protein change: p.Ser819Tyr; replaces serine 819 with tyrosine.
Molecular consequence: missense variant. On other transcripts: intron variant (137).
Genome position (GRCh38, 1-based): chr17:43,093,075, G>T on the plus strand (C>A on the coding strand, the complement: BRCA1 is on the minus strand). VCF-style: chr17-43093075-G-T. GRCh37 (hg19) VCF-style: chr17-41245092-G-T.
Other names: c.2315C>A, p.Ser772Tyr (NM_001407726.1, NM_001407727.1, NM_001407728.1 and 29 more transcripts); c.2312C>A, p.Ser771Tyr (NM_001407847.1, NM_001407848.1, NM_001407849.1 and 20 more transcripts); c.2243C>A, p.Ser748Tyr (NM_001407853.1, NM_001407894.1, NM_001407895.1 and 9 more transcripts); c.2456C>A, p.Ser819Tyr (NM_001407854.1, NM_001407858.1, NM_001407859.1 and 30 more transcripts); c.2453C>A, p.Ser818Tyr (NM_001407860.1, NM_001407861.1, NM_001407587.1 and 22 more transcripts); c.2255C>A, p.Ser752Tyr (NM_001407862.1); c.2333C>A, p.Ser778Tyr (NM_001407863.1, NM_001407919.1, NM_001407937.1 and 19 more transcripts); c.2252C>A, p.Ser751Tyr (NM_001407874.1, NM_001407875.1); and 41 more; short protein forms S692Y, S708Y, S730Y, S748Y, S792Y, S651Y, S731Y, S749Y.
Identifiers: ClinVar variation 2007392 (VCV002007392.6), dbSNP rs192655097, ClinGen allele CA10597095.